The following is an entry in ClinVar:

NM_001375524.1(TRRAP):c.5029G>A (p.Val1677Met)

Genes: TRRAP (transformation/transcription domain associated protein; plus strand), LOC126860121 (MED14-independent group 3 enhancer GRCh37_chr7:98547245-98548444; plus strand). Cytogenetic location: 7q22.1.
Variant type: single nucleotide variant.
Coding change: c.5029G>A on transcript NM_001375524.1 (MANE Select); coding-DNA position 5029, G replaced by A.
Protein change: p.Val1677Met; replaces valine 1677 with methionine.
Molecular consequence: missense variant.
Genome position (GRCh38, 1-based): chr7:98,949,735, G>A. VCF-style: chr7-98949735-G-A. GRCh37 (hg19) VCF-style: chr7-98547358-G-A.
Other names: c.5008G>A, p.Val1670Met (NM_001244580.2); c.4954G>A, p.Val1652Met (NM_003496.4); short protein forms V1652M, V1670M, V1677M.
Identifiers: ClinVar variation 4881361 (VCV004881361.2).

ClinVar aggregate classification (germline): Uncertain significance (1 of 4 stars; one submission).

Submission:

Dasa
Classification: Uncertain significance. Last evaluated: 2025-11-11. Review status: criteria provided, single submitter. Criteria: DASA Assertion Criteria. Collection method: clinical testing. Allele origin: germline.
Comment: NM_001375524.1(TRRAP):c.5029G>A (p.Val1677Met) is a missense variant that results in the substitution of valine with methionine. This variant is absent from population databases. The currently available literature and clinical evidence are not sufficient to establish a definitive association between this variant and the reported condition. Therefore, this variant is classified as a variant of uncertain significance.